The following is an entry in ClinVar:

NM_001372.4(DNAH9):c.9922G>A (p.Ala3308Thr)

Gene: DNAH9 (dynein axonemal heavy chain 9; plus strand). Cytogenetic location: 17p12.
Variant type: single nucleotide variant.
Coding change: c.9922G>A on transcript NM_001372.4 (MANE Select); coding-DNA position 9922, G replaced by A.
Protein change: p.Ala3308Thr; replaces alanine 3308 with threonine.
Molecular consequence: missense variant.
Genome position (GRCh38, 1-based): chr17:11,854,417, G>A. VCF-style: chr17-11854417-G-A. GRCh37 (hg19) VCF-style: chr17-11757734-G-A.
Other names: short protein forms A3308T.
Identifiers: ClinVar variation 1383142 (VCV001383142.8), dbSNP rs756021016, ClinGen allele CA8397328.

ClinVar aggregate classification (germline): Uncertain significance (1 of 4 stars; one submission).

Allele frequency attached by ClinVar (database versions not stated): ExAC 0.00001; gnomAD 0.00001; gnomAD exomes 0.00001; TOPMed 0.00002.
gnomAD v4.1: 12 of 1,611,992 alleles (0.00074%); highest among the groups gnomAD compares: Non-Finnish European, 0.001%; no homozygotes.

Submission:

Labcorp Genetics (formerly Invitae), Labcorp
Classification: Uncertain significance. Last evaluated: 2023-05-08. Review status: criteria provided, single submitter. Criteria: Invitae Variant Classification Sherloc (09022015). Collection method: clinical testing. Allele origin: germline.
Comment: In summary, the available evidence is currently insufficient to determine the role of this variant in disease. Therefore, it has been classified as a Variant of Uncertain Significance. Advanced modeling of protein sequence and biophysical properties (such as structural, functional, and spatial information, amino acid conservation, physicochemical variation, residue mobility, and thermodynamic stability) performed at Invitae indicates that this missense variant is not expected to disrupt DNAH9 protein function. ClinVar contains an entry for this variant (Variation ID: 1383142). This variant has not been reported in the literature in individuals affected with DNAH9-related conditions. This variant is not present in population databases (gnomAD no frequency). This sequence change replaces alanine, which is neutral and non-polar, with threonine, which is neutral and polar, at codon 3308 of the DNAH9 protein (p.Ala3308Thr).